The following is an entry in ClinVar:

ClinVar aggregate classification (germline): Conflicting classifications of pathogenicity. Review status: criteria provided, conflicting classifications (1 of 4 stars). 2 submissions from 2 submitters: Uncertain significance (1); Likely benign (1). Last evaluated 2025-01-21.

Conditions:
NPC1-related disorder. Also called: NPC1-related condition.

Allele frequency attached by ClinVar (database versions not stated): gnomAD 0.00001; TOPMed 0.00002.
gnomAD v4.1: 25 of 1,614,012 alleles (0.0015%); highest among the groups gnomAD compares: Middle Eastern, 0.016%; no homozygotes.

Submissions (2):

PreventionGenetics, part of Exact Sciences
Classification: Likely benign for NPC1-related condition. Last evaluated: 2025-01-21. Review status: criteria provided, single submitter. Criteria: ACMG Guidelines, 2015. Collection method: clinical testing. Allele origin: germline.
Comment: This variant is classified as likely benign based on ACMG/AMP sequence variant interpretation guidelines (Richards et al. 2015 PMID: 25741868, with internal and published modifications).

Eurofins Ntd Llc (ga)
Classification: Uncertain significance. Last evaluated: 2018-08-17. Review status: criteria provided, single submitter. Criteria: EGL ClinVar v180209 classification definitions. Collection method: clinical testing. Allele origin: germline. Observed: 1 variant allele, 1 heterozygote.

NM_000271.5(NPC1):c.2655G>A (p.Ala885=)

Gene: NPC1 (NPC intracellular cholesterol transporter 1; minus strand). Cytogenetic location: 18q11.2.
Variant type: single nucleotide variant.
Coding change: c.2655G>A on transcript NM_000271.5 (MANE Select); coding-DNA position 2655, G replaced by A.
Protein change: p.Ala885=; no amino-acid change (alanine 885 retained).
Molecular consequence: synonymous variant.
Genome position (GRCh38, 1-based): chr18:23,539,951, C>T on the plus strand (G>A on the coding strand, the complement: NPC1 is on the minus strand). VCF-style: chr18-23539951-C-T. GRCh37 (hg19) VCF-style: chr18-21119915-C-T.
Other names: c.2655G>A (NM_000271.4).
Identifiers: ClinVar variation 598414 (VCV000598414.6), dbSNP rs544601083, ClinGen allele CA297081478.